The following is an entry in ClinVar:

ClinVar aggregate classification (germline): Likely benign. Review status: criteria provided, single submitter (1 of 4 stars). 2 submissions from 2 submitters: Likely benign (1). 1 of the submissions does not count toward it. Last evaluated 2025-08-20.

Conditions:
Tremor, hereditary essential, 4 (ETM4). Identifiers: MedGen C3539195, MONDO:0013888, OMIM 614782.
Amyotrophic lateral sclerosis type 6. Also called: FUS-Related Amyotrophic Laterial Sclerosis; Amyotrophic lateral sclerosis 6, with or without frontotemporal dementia; AMYOTROPHIC LATERAL SCLEROSIS 6 WITHOUT FRONTOTEMPORAL DEMENTIA. Identifiers: Orphanet 275872, Orphanet 803, MedGen C2931786, MONDO:0011951, OMIM 608030.
FUS-related disorder. Also called: FUS-related condition.

gnomAD v4.1: 1 of 1,614,112 alleles (0.000062%); no homozygotes.

Submissions (2):

Labcorp Genetics (formerly Invitae), Labcorp
Classification: Likely benign for Tremor, hereditary essential, 4; Amyotrophic lateral sclerosis type 6. Last evaluated: 2025-08-20. Review status: criteria provided, single submitter. Criteria: Invitae Variant Classification Sherloc (09022015). Collection method: clinical testing. Allele origin: germline.

PreventionGenetics, part of Exact Sciences
Classification: Likely benign for FUS-related condition. Last evaluated: 2023-01-24. Review status: no assertion criteria provided. Collection method: clinical testing. Allele origin: germline. Not counted in ClinVar's aggregate classification.
Comment: This variant is classified as likely benign based on ACMG/AMP sequence variant interpretation guidelines (Richards et al. 2015 PMID: 25741868, with internal and published modifications).

NM_004960.4(FUS):c.951G>C (p.Thr317=)

Gene: FUS (FUS RNA binding protein; plus strand). Cytogenetic location: 16p11.2.
Variant type: single nucleotide variant.
Coding change: c.951G>C on transcript NM_004960.4 (MANE Select); coding-DNA position 951, G replaced by C.
Protein change: p.Thr317=; no amino-acid change (threonine 317 retained).
Molecular consequence: synonymous variant. On other transcripts: non-coding transcript variant (1).
Genome position (GRCh38, 1-based): chr16:31,189,679, G>C. VCF-style: chr16-31189679-G-C. GRCh37 (hg19) VCF-style: chr16-31201000-G-C.
Other names: c.948G>C, p.Thr316= (NM_001170634.1); c.939G>C, p.Thr313= (NM_001170937.1).
Identifiers: ClinVar variation 3030520 (VCV003030520.3), dbSNP rs771216742, ClinGen allele CA494713829.
Genomic context (GRCh38, chr16:31,189,679, plus strand): 5'-TACTGTAGCCTTTAAAATTGATGTTACCTCATTTTGCTTTCTTCAGACAAACAAGAAAAC[G>C]GGACAGCCCATGATTAATTTGTACACAGACAGGGAAACTGGCAAGCTGAAGGGAGAGGCA-3'
Protein context (NP_004951.1, residues 307-327): QIGIIKTNKK[Thr317=]GQPMINLYTD